The following is an entry in ClinVar:

ClinVar aggregate classification (germline): Likely benign. Review status: criteria provided, single submitter (1 of 4 stars). 2 submissions from 2 submitters: Likely benign (1). 1 of the submissions does not count toward it. Last evaluated 2022-12-12.

Conditions:
WNT9B-related disorder. Also called: WNT9B-related condition.

Allele frequency attached by ClinVar (database versions not stated): gnomAD exomes 0.00003; TOPMed 0.00005; gnomAD 0.00007; ESP Exome Variant Server 0.00008; ExAC 0.00009; 1000 Genomes Project 30x 0.00031; 1000 Genomes Project 0.00040.
gnomAD v4.1: 57 of 1,604,502 alleles (0.0036%); highest among the groups gnomAD compares: South Asian, 0.02%; no homozygotes.

Submissions (2):

Labcorp Genetics (formerly Invitae), Labcorp
Classification: Likely benign. Last evaluated: 2022-12-12. Review status: criteria provided, single submitter. Criteria: Invitae Variant Classification Sherloc (09022015). Collection method: clinical testing. Allele origin: germline.

PreventionGenetics, part of Exact Sciences
Classification: Likely benign for WNT9B-related condition. Last evaluated: 2019-08-07. Review status: no assertion criteria provided. Collection method: clinical testing. Allele origin: germline. Not counted in ClinVar's aggregate classification.
Comment: This variant is classified as likely benign based on ACMG/AMP sequence variant interpretation guidelines (Richards et al. 2015 PMID: 25741868, with internal and published modifications).

NM_003396.3(WNT9B):c.588C>T (p.His196=)

Genes: LRRC37A2 (leucine rich repeat containing 37 member A2), WNT9B (Wnt family member 9B; plus strand). Cytogenetic location: 17q21.32.
Variant type: single nucleotide variant.
Coding change: c.588C>T on transcript NM_003396.3 (MANE Select); coding-DNA position 588, C replaced by T.
Protein change: p.His196=; no amino-acid change (histidine 196 retained).
Molecular consequence: synonymous variant.
Genome position (GRCh38, 1-based): chr17:46,875,354, C>T. VCF-style: chr17-46875354-C-T. GRCh37 (hg19) VCF-style: chr17-44952720-C-T.
Other names: c.588C>T (NM_003396.2); c.588C>T, p.His196= (NM_001320458.2).
Identifiers: ClinVar variation 2901243 (VCV002901243.5), dbSNP rs201141085, ClinGen allele CA8620936.